The following is an entry in ClinVar:

NM_173689.7(CRB2):c.1912C>T (p.Pro638Ser)

Gene: CRB2 (crumbs cell polarity complex component 2; plus strand). Cytogenetic location: 9q33.3.
Variant type: single nucleotide variant.
Coding change: c.1912C>T on transcript NM_173689.7 (MANE Select); coding-DNA position 1912, C replaced by T.
Protein change: p.Pro638Ser; replaces proline 638 with serine.
Molecular consequence: missense variant. On other transcripts: non-coding transcript variant (1).
Genome position (GRCh38, 1-based): chr9:123,370,965, C>T. VCF-style: chr9-123370965-C-T. GRCh37 (hg19) VCF-style: chr9-126133244-C-T.
Other names: short protein forms P638S.
Identifiers: ClinVar variation 1410155 (VCV001410155.6), dbSNP rs1383031137, ClinGen allele CA374864306.

ClinVar aggregate classification (germline): Uncertain significance (1 of 4 stars; one submission).

Allele frequency attached by ClinVar (database versions not stated): gnomAD exomes below 0.00001 and 0.00001; TOPMed below 0.00001.
gnomAD v4.1: 8 of 1,604,320 alleles (0.0005%); highest among the groups gnomAD compares: Non-Finnish European, 0.00068%; no homozygotes.

Submission:

Labcorp Genetics (formerly Invitae), Labcorp
Classification: Uncertain significance. Last evaluated: 2022-09-13. Review status: criteria provided, single submitter. Criteria: Invitae Variant Classification Sherloc (09022015). Collection method: clinical testing. Allele origin: germline.
Comment: This variant has not been reported in the literature in individuals affected with CRB2-related conditions. In summary, the available evidence is currently insufficient to determine the role of this variant in disease. Therefore, it has been classified as a Variant of Uncertain Significance. Advanced modeling of protein sequence and biophysical properties (such as structural, functional, and spatial information, amino acid conservation, physicochemical variation, residue mobility, and thermodynamic stability) performed at Invitae indicates that this missense variant is not expected to disrupt CRB2 protein function. ClinVar contains an entry for this variant (Variation ID: 1410155). This variant is present in population databases (no rsID available, gnomAD 0.0009%). This sequence change replaces proline, which is neutral and non-polar, with serine, which is neutral and polar, at codon 638 of the CRB2 protein (p.Pro638Ser).